The following is an entry in ClinVar:

NM_033641.4(COL4A6):c.3277+6G>A

Gene: COL4A6 (collagen type IV alpha 6 chain; minus strand). Cytogenetic location: Xq22.3.
Variant type: single nucleotide variant.
Coding change: c.3277+6G>A on transcript NM_033641.4 (MANE Select); 6 bases into the intron after coding-DNA position 3277, G replaced by A.
Molecular consequence: intron variant.
Genome position (GRCh38, 1-based): chrX:108,171,381, C>T on the plus strand (G>A on the coding strand, the complement: COL4A6 is on the minus strand). VCF-style: chrX-108171381-C-T. GRCh37 (hg19) VCF-style: chrX-107414611-C-T.
Other names: c.3280+6G>A (NM_001847.4); c.3277+6G>A (NM_001287760.2, NM_001287759.2); c.3328+6G>A (NM_001287758.2).
Identifiers: ClinVar variation 2149911 (VCV002149911.4), dbSNP rs775836782, ClinGen allele CA334041016.
Genomic context (GRCh38, chrX:108,171,381, plus strand): 5'-ATTCCTTCTAATCCTCAGTTTTGTGGAGTCTGTGAGGCAAACAAGACAAAAATATAGCAA[C>T]CTTACCTTTAAAACCAGATTCGCCAGGCTGTCCCTTGGGTCCTGGGCTACCGGAAATTTC-3'

ClinVar aggregate classification (germline): Uncertain significance (1 of 4 stars; one submission).

Allele frequency attached by ClinVar (database versions not stated): gnomAD 0.00002.
gnomAD v4.1: 33 of 1,205,271 alleles (0.0027%); highest among the groups gnomAD compares: East Asian, 0.003%; no homozygotes.

Submission:

Labcorp Genetics (formerly Invitae), Labcorp
Classification: Uncertain significance. Last evaluated: 2023-07-28. Review status: criteria provided, single submitter. Criteria: Invitae Variant Classification Sherloc (09022015). Collection method: clinical testing. Allele origin: germline.
Comment: This variant is present in population databases (rs775836782, gnomAD 0.004%). This variant has not been reported in the literature in individuals affected with COL4A6-related conditions. ClinVar contains an entry for this variant (Variation ID: 2149911). Variants that disrupt the consensus splice site are a relatively common cause of aberrant splicing (PMID: 17576681, 9536098). Algorithms developed to predict the effect of sequence changes on RNA splicing suggest that this variant is not likely to affect RNA splicing. In summary, the available evidence is currently insufficient to determine the role of this variant in disease. Therefore, it has been classified as a Variant of Uncertain Significance. This sequence change falls in intron 33 of the COL4A6 gene. It does not directly change the encoded amino acid sequence of the COL4A6 protein. It affects a nucleotide within the consensus splice site.

Literature cited by the submitters: PubMed 17576681; PubMed 9536098.